The following is an entry in ClinVar:

ClinVar aggregate classification (germline): Uncertain significance. Review status: criteria provided, multiple submitters, no conflicts (2 of 4 stars). 2 submissions from 2 submitters: Uncertain significance (2). Last evaluated 2025-02-04.

Conditions:
Pancreatic adenocarcinoma. Identifiers: MedGen C0281361, MONDO:0006047, HP:0006725.

Allele frequency attached by ClinVar (database versions not stated): gnomAD 0.00001; gnomAD exomes 0.00001; TOPMed 0.00001; ExAC 0.00002.
gnomAD v4.1: 24 of 1,613,162 alleles (0.0015%); highest among the groups gnomAD compares: Non-Finnish European, 0.002%; no homozygotes.

Submissions (2):

Ambry Genetics
Classification: Uncertain significance. Last evaluated: 2025-02-04. Review status: criteria provided, single submitter. Criteria: Ambry Variant Classification Scheme 2023. Collection method: clinical testing. Allele origin: germline.
Comment: The p.A222T variant (also known as c.664G>A), located in coding exon 3 of the PALLD gene, results from a G to A substitution at nucleotide position 664. The alanine at codon 222 is replaced by threonine, an amino acid with similar properties. This amino acid position is conserved. In addition, the in silico prediction for this alteration is inconclusive. Based on the available evidence, the clinical significance of this variant remains unclear.

Labcorp Genetics (formerly Invitae), Labcorp
Classification: Uncertain significance for Pancreatic adenocarcinoma. Last evaluated: 2022-12-14. Review status: criteria provided, single submitter. Criteria: Invitae Variant Classification Sherloc (09022015). Collection method: clinical testing. Allele origin: germline.
Comment: This variant is present in population databases (rs775439441, gnomAD 0.002%). In summary, the available evidence is currently insufficient to determine the role of this variant in disease. Therefore, it has been classified as a Variant of Uncertain Significance. Algorithms developed to predict the effect of missense changes on protein structure and function are either unavailable or do not agree on the potential impact of this missense change (SIFT: "Deleterious"; PolyPhen-2: "Benign"; Align-GVGD: "Class C55"). ClinVar contains an entry for this variant (Variation ID: 1424163). This variant has not been reported in the literature in individuals affected with PALLD-related conditions. This sequence change replaces alanine, which is neutral and non-polar, with threonine, which is neutral and polar, at codon 222 of the PALLD protein (p.Ala222Thr).

NM_001166108.2(PALLD):c.2125G>A (p.Ala709Thr)

Genes: CBR4 (carbonyl reductase 4; minus strand), PALLD (palladin, cytoskeletal associated protein; plus strand). Cytogenetic location: 4q32.3.
Variant type: single nucleotide variant.
Coding change: c.2125G>A on transcript NM_001166108.2 (MANE Select); coding-DNA position 2125, G replaced by A.
Protein change: p.Ala709Thr; replaces alanine 709 with threonine.
Molecular consequence: missense variant.
Genome position (GRCh38, 1-based): chr4:168,894,603, G>A. VCF-style: chr4-168894603-G-A. GRCh37 (hg19) VCF-style: chr4-169815754-G-A.
Other names: c.979G>A, p.Ala327Thr (NM_001166109.2); c.664G>A, p.Ala222Thr (NM_001166110.2); c.4G>A, p.Ala2Thr (NM_001367567.1, NM_001367568.1, NM_001367569.1 and 1 more transcripts); c.2125G>A, p.Ala709Thr (NM_016081.4); c.664G>A (NM_001166110.1); short protein forms A709T, A222T, A2T, A327T.
Identifiers: ClinVar variation 1424163 (VCV001424163.9), dbSNP rs775439441, ClinGen allele CA3135831.